The following is an entry in ClinVar:

ClinVar aggregate classification (germline): Uncertain significance (1 of 4 stars; one submission).

Conditions:
Gnathodiaphyseal dysplasia (GDD). Also called: GNATHODIAPHYSEAL SCLEROSIS; OSTEOGENESIS IMPERFECTA WITH UNUSUAL SKELETAL LESIONS. Identifiers: Orphanet 53697, MedGen C1833736, MONDO:0008151, OMIM 166260.
Autosomal recessive limb-girdle muscular dystrophy type 2L (LGMDR12). Also called: Limb-girdle muscular dystrophy, type 2L; Limb-Girdle Muscular Dystrophy R12 Anoctamin-5-Related (LGMD-R12); MUSCULAR DYSTROPHY, LIMB-GIRDLE, AUTOSOMAL RECESSIVE 12. Identifiers: Orphanet 206549, MedGen C1969785, MONDO:0012652, OMIM 611307.

Submission:

Labcorp Genetics (formerly Invitae), Labcorp
Classification: Uncertain significance for Autosomal recessive limb-girdle muscular dystrophy type 2L; Gnathodiaphyseal dysplasia. Last evaluated: 2024-08-20. Review status: criteria provided, single submitter. Criteria: Invitae Variant Classification Sherloc (09022015). Collection method: clinical testing. Allele origin: germline.
Comment: This sequence change falls in intron 12 of the ANO5 gene. It does not directly change the encoded amino acid sequence of the ANO5 protein. It affects a nucleotide within the consensus splice site. This variant is not present in population databases (gnomAD no frequency). This variant has not been reported in the literature in individuals affected with ANO5-related conditions. ClinVar contains an entry for this variant (Variation ID: 2416969). Variants that disrupt the consensus splice site are a relatively common cause of aberrant splicing (PMID: 17576681, 9536098). Algorithms developed to predict the effect of sequence changes on RNA splicing suggest that this variant is not likely to affect RNA splicing. In summary, the available evidence is currently insufficient to determine the role of this variant in disease. Therefore, it has been classified as a Variant of Uncertain Significance.

Literature cited by the submitters: PubMed 17576681; PubMed 9536098.

NM_213599.3(ANO5):c.1180+3G>A

Gene: ANO5 (anoctamin 5; plus strand). Cytogenetic location: 11p14.3.
Variant type: single nucleotide variant.
Coding change: c.1180+3G>A on transcript NM_213599.3 (MANE Select); 3 bases into the intron after coding-DNA position 1180, G replaced by A.
Molecular consequence: intron variant.
Genome position (GRCh38, 1-based): chr11:22,251,014, G>A. VCF-style: chr11-22251014-G-A. GRCh37 (hg19) VCF-style: chr11-22272560-G-A.
Other names: c.1177+3G>A (NM_001142649.2).
Identifiers: ClinVar variation 2416969 (VCV002416969.8), dbSNP rs2133705171, ClinGen allele CA2580082863.
Genomic context (GRCh38, chr11:22,251,014, plus strand): 5'-TCCCATTTGTTTGATAATGAGTCAACAGTGTTCTTTGCAATATTCATGGGAATTTGGGGT[G>A]AGTAAATAGTCCCATAAAGAAACAGCTTTCTTCCTATTAATGTGTTGTTTTGCCTCCATA-3'